The following is an entry in ClinVar:

NM_002474.3(MYH11):c.714C>A (p.Asn238Lys)

Gene: MYH11 (myosin heavy chain 11; minus strand). Cytogenetic location: 16p13.11.
Variant type: single nucleotide variant.
Coding change: c.714C>A on transcript NM_002474.3 (MANE Select); coding-DNA position 714, C replaced by A.
Protein change: p.Asn238Lys; replaces asparagine 238 with lysine.
Molecular consequence: missense variant.
Genome position (GRCh38, 1-based): chr16:15,782,397, G>T on the plus strand (C>A on the coding strand, the complement: MYH11 is on the minus strand). VCF-style: chr16-15782397-G-T. GRCh37 (hg19) VCF-style: chr16-15876254-G-T.
Other names: c.735C>A, p.Asn245Lys (NM_001040113.2, NM_001040114.2); c.714C>A, p.Asn238Lys (NM_022844.3); short protein forms N238K, N245K.
Identifiers: ClinVar variation 2193069 (VCV002193069.4), dbSNP rs2506612225, ClinGen allele CA394870733.

ClinVar aggregate classification (germline): Uncertain significance (1 of 4 stars; one submission).

Conditions:
Aortic aneurysm, familial thoracic 4 (AAT4). Also called: AORTIC ANEURYSM/AORTIC DISSECTION AND PATENT DUCTUS ARTERIOSUS. Identifiers: MedGen C1851504, MONDO:0007568, OMIM 132900.

Submission:

Labcorp Genetics (formerly Invitae), Labcorp
Classification: Uncertain significance for Aortic aneurysm, familial thoracic 4. Last evaluated: 2022-07-06. Review status: criteria provided, single submitter. Criteria: Invitae Variant Classification Sherloc (09022015). Collection method: clinical testing. Allele origin: germline.
Comment: This variant has not been reported in the literature in individuals affected with MYH11-related conditions. In summary, the available evidence is currently insufficient to determine the role of this variant in disease. Therefore, it has been classified as a Variant of Uncertain Significance. Algorithms developed to predict the effect of missense changes on protein structure and function are either unavailable or do not agree on the potential impact of this missense change (SIFT: "Deleterious"; PolyPhen-2: "Probably Damaging"; Align-GVGD: "Class C0"). This variant is not present in population databases (gnomAD no frequency). This sequence change replaces asparagine, which is neutral and polar, with lysine, which is basic and polar, at codon 245 of the MYH11 protein (p.Asn245Lys).